The following is an entry in ClinVar:

NM_001370658.1(BTD):c.770_772dup (p.Pro257_Leu258insPro)

Gene: BTD (biotinidase; plus strand). Cytogenetic location: 3p25.1.
Variant type: Duplication.
Coding change: c.770_772dup on transcript NM_001370658.1 (MANE Select); coding-DNA positions 770 to 772, 3 bases duplicated (CAC; older notation c.770_772dupCAC).
Protein change: p.Pro257_Leu258insPro.
Molecular consequence: intron variant (on NM_001370753.1).
Genome position (GRCh38, 1-based): chr3:15,644,686-15,644,688, CAC duplicated; duplicating any 3 consecutive bases within chr3:15,644,685-15,644,688 gives the same sequence; the c. name uses the placement nearest the transcript's 3' end. VCF-style (leftmost placement, unchanged base first): chr3-15644684-C-CCCA. GRCh37 (hg19) VCF-style: chr3-15686191-C-CCCA.
Other names: c.770_772dup, p.Pro257_Leu258insPro (NM_001281723.4, NM_001281724.3, NM_001281725.3 and 18 more transcripts); c.399+2629_399+2631dup (NM_001370753.1, NM_001407400.1, NM_001407380.1 and 3 more transcripts); c.830_832dup (NM_000060.4).
Identifiers: ClinVar variation 3572380 (VCV003572380.1).

ClinVar aggregate classification (germline): Uncertain significance (1 of 4 stars; one submission).

Submission:

Quest Diagnostics Nichols Institute San Juan Capistrano
Classification: Uncertain significance. Last evaluated: 2024-09-18. Review status: criteria provided, single submitter. Criteria: Quest Diagnostics criteria. Collection method: clinical testing. Allele origin: unknown.
Comment: The BTD c.830_832dup (p.Pro277dup) variant has not been reported in individuals with BTD-related conditions in the published literature. It also has not been reported in large, multi-ethnic general populations (Genome Aggregation Database). Based on the available information, we are unable to determine the clinical significance of this variant.